The following is an entry in ClinVar:

NM_032638.5(GATA2):c.299G>A (p.Gly100Glu)

Gene: GATA2 (GATA binding protein 2; minus strand). Cytogenetic location: 3q21.3.
Variant type: single nucleotide variant.
Coding change: c.299G>A on transcript NM_032638.5 (MANE Select); coding-DNA position 299, G replaced by A.
Protein change: p.Gly100Glu; replaces glycine 100 with glutamic acid.
Molecular consequence: missense variant.
Genome position (GRCh38, 1-based): chr3:128,486,299, C>T on the plus strand (G>A on the coding strand, the complement: GATA2 is on the minus strand). VCF-style: chr3-128486299-C-T. GRCh37 (hg19) VCF-style: chr3-128205142-C-T.
Other names: c.299G>A, p.Gly100Glu (NM_001145661.2, NM_001145662.1); short protein forms G100E.
Identifiers: ClinVar variation 1475807 (VCV001475807.8), dbSNP rs1170563192, ClinGen allele CA354407491.

ClinVar aggregate classification (germline): Uncertain significance (1 of 4 stars; one submission).

Conditions:
Deafness-lymphedema-leukemia syndrome. Also called: Emberger syndrome; Lymphedema, primary, with myelodysplasia. Identifiers: Orphanet 3226, MedGen C3279664, MONDO:0013540, OMIM 614038.
Monocytopenia with susceptibility to infections. Also called: IMMUNODEFICIENCY 21; GATA2 DEFICIENCY; MONOCYTOPENIA AND MYCOBACTERIAL INFECTION SYNDROME; MONOCYTOPENIA WITH SUSCEPTIBILITY TO MYCOBACTERIAL, FUNGAL, AND PAPILLOMAVIRUS INFECTIONS AND MYELODYSPLASIA; COMBINED IMMUNODEFICIENCY WITH SUSCEPTIBILITY TO MYCOBACTERIAL, VIRAL, AND FUNGAL INFECTIONS; Dendritic cell, monocyte, B lymphocyte, and natural killer lymphocyte deficiency. Identifiers: Orphanet 228423, MedGen C3280030, MONDO:0013607, OMIM 614172.

Submission:

Labcorp Genetics (formerly Invitae), Labcorp
Classification: Uncertain significance for Monocytopenia with susceptibility to infections; Deafness-lymphedema-leukemia syndrome. Last evaluated: 2021-03-31. Review status: criteria provided, single submitter. Criteria: Invitae Variant Classification Sherloc (09022015). Collection method: clinical testing. Allele origin: germline.
Comment: Advanced modeling of protein sequence and biophysical properties (such as structural, functional, and spatial information, amino acid conservation, physicochemical variation, residue mobility, and thermodynamic stability) performed at Invitae indicates that this missense variant is not expected to disrupt GATA2 protein function. This sequence change replaces glycine with glutamic acid at codon 100 of the GATA2 protein (p.Gly100Glu). The glycine residue is weakly conserved and there is a moderate physicochemical difference between glycine and glutamic acid. This variant is not present in population databases (ExAC no frequency). This variant has not been reported in the literature in individuals with GATA2-related conditions. In summary, the available evidence is currently insufficient to determine the role of this variant in disease. Therefore, it has been classified as a Variant of Uncertain Significance.